The following is an entry in ClinVar:

NM_000093.5(COL5A1):c.4693_4694insT (p.Pro1565fs)

Genes: COL5A1 (collagen type V alpha 1 chain; plus strand), LOC101448202 (uncharacterized LOC101448202; minus strand). Cytogenetic location: 9q34.3.
Variant type: Insertion.
Coding change: c.4693_4694insT on transcript NM_000093.5 (MANE Select); coding-DNA positions 4693 to 4694, T inserted.
Protein change: p.Pro1565fs; shifts the reading frame from proline 1565.
Molecular consequence: frameshift variant.
Genome position: GRCh38 VCF-style: chr9-134823464-C-CT. GRCh37 (hg19) VCF-style: chr9-137715310-C-CT.
Other names: c.4693_4694insT, p.Pro1565fs (NM_001278074.1); short protein forms P1565fs.
Identifiers: ClinVar variation 2861262 (VCV002861262.3), dbSNP rs2490873793, ClinGen allele CA2739265222.

ClinVar aggregate classification (germline): Pathogenic (1 of 4 stars; one submission).

Conditions:
Ehlers-Danlos syndrome, classic type, 1 (EDSCL1). Also called: EHLERS-DANLOS SYNDROME, GRAVIS TYPE; EHLERS-DANLOS SYNDROME, SEVERE CLASSIC TYPE; Ehlers-Danlos syndrome, type 1; Ehlers-Danlos Syndrome, Classic Type, COL5A1-Related; EDS I. Identifiers: MedGen C0268335, MONDO:0019567, OMIM 130000.

Submission:

Labcorp Genetics (formerly Invitae), Labcorp
Classification: Pathogenic for Ehlers-Danlos syndrome, classic type, 1. Last evaluated: 2023-05-20. Review status: criteria provided, single submitter. Criteria: Invitae Variant Classification Sherloc (09022015). Collection method: clinical testing. Allele origin: germline.
Comment: This sequence change creates a premature translational stop signal (p.Pro1565Leufs*59) in the COL5A1 gene. It is expected to result in an absent or disrupted protein product. Loss-of-function variants in COL5A1 are known to be pathogenic (PMID: 23587214). This variant is not present in population databases (gnomAD no frequency). This variant has not been reported in the literature in individuals affected with COL5A1-related conditions. For these reasons, this variant has been classified as Pathogenic.

Literature cited by the submitters: PubMed 23587214.